The following is an entry in ClinVar:

NM_000256.3(MYBPC3):c.821+1G>C

Gene: MYBPC3 (myosin binding protein C3; minus strand). Cytogenetic location: 11p11.2.
Variant type: single nucleotide variant.
Coding change: c.821+1G>C on transcript NM_000256.3 (MANE Select); the canonical splice donor site of the intron after coding-DNA position 821, G replaced by C.
Molecular consequence: splice donor variant.
Genome position (GRCh38, 1-based): chr11:47,347,856, C>G on the plus strand (G>C on the coding strand, the complement: MYBPC3 is on the minus strand). VCF-style: chr11-47347856-C-G. GRCh37 (hg19) VCF-style: chr11-47369407-C-G.
Identifiers: ClinVar variation 178946 (VCV000178946.11), dbSNP rs397516073, ClinGen allele CA015891.

ClinVar aggregate classification (germline): Pathogenic. Review status: criteria provided, multiple submitters, no conflicts (2 of 4 stars). 3 submissions from 3 submitters: Pathogenic (3). Last evaluated 2025-12-08.

Conditions:
Cardiovascular phenotype. Identifiers: MedGen CN230736.
Hypertrophic cardiomyopathy. Also called: HYPERTROPHIC MYOCARDIOPATHY. Identifiers: Orphanet 217569, MedGen C0007194, MeSH D002312, MONDO:0005045, HP:0001639.

Submissions (3):

Labcorp Genetics (formerly Invitae), Labcorp
Classification: Pathogenic for Hypertrophic cardiomyopathy. Last evaluated: 2025-12-08. Review status: criteria provided, single submitter. Criteria: Invitae Variant Classification Sherloc (09022015). Collection method: clinical testing. Allele origin: germline.
Comment: This sequence change affects a donor splice site in intron 7 of the MYBPC3 gene. RNA analysis indicates that disruption of this splice site induces altered splicing and may result in an absent or altered protein product. This variant is not present in population databases (gnomAD no frequency). Disruption of this splice site has been observed in individuals with hypertrophic cardiomyopathy (PMID: 9562578, 11499718, 11499719, 25611685, 27532257). It has also been observed to segregate with disease in related individuals. ClinVar contains an entry for this variant (Variation ID: 178946). Studies have shown that disruption of this splice site results in skipping of exon 7 or exons 7 and 8, and produces a non-functional protein and/or introduces a premature termination codon (PMID: 11499719). For these reasons, this variant has been classified as Pathogenic.

Ambry Genetics
Classification: Pathogenic for Cardiovascular phenotype. Last evaluated: 2020-11-06. Review status: criteria provided, single submitter. Criteria: Ambry Variant Classification Scheme 2023. Collection method: clinical testing. Allele origin: germline.
Comment: The c.821+1G>C intronic pathogenic mutation results from a G to C substitution one nucleotide after coding exon 7 of the MYBPC3 gene. This variant has been reported in a hypertrophic cardiomyopathy (HCM) genetic testing cohort; however, clinical details were limited (Alfares AA et al. Genet Med, 2015 Nov;17:880-8; Walsh R et al. Genet Med, 2017 02;19:192-203). Another alteration impacting the same donor site (c.821+1G>A) has been described in multiple families with HCM and demonstrated segregation with disease; furthermore, mRNA analysis showed exon skipping resulting in abnormal transcripts (Niimura H et al. N Engl J Med. 1998 Apr;338:1248-57; Erdmann J et al. J Am Coll Cardiol. 2001 Aug;38:322-30). In addition to the clinical data presented in the literature, alterations that disrupt the canonical splice site are expected to cause aberrant splicing, resulting in an abnormal protein or a transcript that is subject to nonsense-mediated mRNA decay. As such, this alteration is classified as a disease-causing mutation.

Laboratory for Molecular Medicine, Mass General Brigham Personalized Medicine
Classification: Pathogenic for Hypertrophic cardiomyopathy. Last evaluated: 2013-04-21. Review status: criteria provided, single submitter. Criteria: LMM Criteria. Collection method: clinical testing. Allele origin: germline. Inheritance: Autosomal dominant inheritance. Observed: 1 variant allele.
Comment: The 821+1G>C variant in MYBPC3 has not been reported in individuals with cardiom yopathy and data from large population studies is insufficient to assess the fre quency of this variant. This variant occurs in the invariant region (+/- 1,2) of the splice consensus sequence and is predicted to cause altered splicing leadin g to an abnormal or absent protein. Splicing and other truncating variants in MY BPC3 are established as pathogenic for HCM. In addition, other variants impactin g this splice site have been reported in individuals with HCM (821+1G>A, 821+2T> C, 821+5G>A; Carrier 1997, Niimura 1998, Flavigny 1999, Maron 2001, Flavigny 200 3, Richard 2003, Van Driest 2004, LMM unpublished data). In summary, this varian t meets our criteria to be classified as pathogenic (MM) based upon the predicted impact of the variant.

Literature cited by the submitters: PubMed 9562578 (cited by Labcorp Genetics (formerly Invitae), Labcorp and Laboratory for Molecular Medicine, Mass General Brigham Personalized Medicine); PubMed 11499718 (cited by Labcorp Genetics (formerly Invitae), Labcorp and Laboratory for Molecular Medicine, Mass General Brigham Personalized Medicine); PubMed 11499719 (cited by Labcorp Genetics (formerly Invitae), Labcorp); PubMed 25611685 (cited by Labcorp Genetics (formerly Invitae), Labcorp and Ambry Genetics); PubMed 27532257 (cited by Labcorp Genetics (formerly Invitae), Labcorp and Ambry Genetics); PubMed 15519027 (cited by Laboratory for Molecular Medicine, Mass General Brigham Personalized Medicine); PubMed 9048664 (cited by Laboratory for Molecular Medicine, Mass General Brigham Personalized Medicine); PubMed 14613868 (cited by Laboratory for Molecular Medicine, Mass General Brigham Personalized Medicine); PubMed 10610770 (cited by Laboratory for Molecular Medicine, Mass General Brigham Personalized Medicine); PubMed 12707239 (cited by Laboratory for Molecular Medicine, Mass General Brigham Personalized Medicine).